The following is an entry in ClinVar:

ClinVar aggregate classification (germline): Likely pathogenic (1 of 4 stars; one submission).

Conditions:
Stromme syndrome (STROMS). Also called: APPLE PEEL SYNDROME WITH MICROCEPHALY AND OCULAR ANOMALIES; Strømme Syndrome; Ciliary dyskinesia, primary, 31. Identifiers: Orphanet 444069, Orphanet 506307, MedGen C1855705, MONDO:0009477, OMIM 243605.

Submission:

Juno Genomics, Hangzhou Juno Genomics, Inc
Classification: Likely pathogenic for Stromme syndrome. Review status: criteria provided, single submitter. Criteria: ACMG Guidelines, 2015. Collection method: clinical testing. Allele origin: germline.
Comment: Null variant in a gene where loss of function (LOF) is a known mechanism of disease.;Absent from controls (or at extremely low frequency if recessive) in Genome Aggregation Database.

NM_016343.4(CENPF):c.3545_3548del (p.Glu1182fs)

Gene: CENPF (centromere protein F; plus strand). Cytogenetic location: 1q41.
Variant type: Microsatellite.
Coding change: c.3545_3548del on transcript NM_016343.4 (MANE Select); coding-DNA positions 3545 to 3548, 4 bases deleted (AGAG; older notation c.3545_3548delAGAG).
Protein change: p.Glu1182fs; shifts the reading frame from glutamic acid 1182.
Molecular consequence: frameshift variant.
Genome position (GRCh38, 1-based): chr1:214,641,883-214,641,886, AGAG deleted; deleting any 4 consecutive bases within chr1:214,641,879-214,641,886 gives the same sequence; the c. name uses the placement nearest the transcript's 3' end. VCF-style (leftmost placement, unchanged base first): chr1-214641878-AAGAG-A. GRCh37 (hg19) VCF-style: chr1-214815221-AAGAG-A.
Other names: short protein forms E1182fs.
Identifiers: ClinVar variation 5005710 (VCV005005710.2).